The following is an entry in ClinVar:

NM_000443.4(ABCB4):c.2273dup (p.Phe760fs)

Gene: ABCB4 (ATP binding cassette subfamily B member 4; minus strand). Cytogenetic location: 7q21.12.
Variant type: Duplication.
Coding change: c.2273dup on transcript NM_000443.4 (MANE Select); coding-DNA position 2273, one base duplicated (T; older notation c.2273dupT).
Protein change: p.Phe760fs; shifts the reading frame from phenylalanine 760.
Molecular consequence: frameshift variant.
Genome position (GRCh38, 1-based): chr7:87,422,164, A duplicated on the plus strand (T on the coding strand, the reverse complement: ABCB4 is on the minus strand); the first of 4 consecutive A bases (chr7:87,422,164-87,422,167); duplicating any one gives the same sequence. VCF-style (leftmost placement, unchanged base first): chr7-87422163-G-GA. GRCh37 (hg19) VCF-style: chr7-87051479-G-GA.
Other names: c.2273dup, p.Phe760fs (NM_018849.3, NM_018850.3); short protein forms F760fs.
Identifiers: ClinVar variation 4846453 (VCV004846453.1).

ClinVar aggregate classification (germline): Pathogenic (1 of 4 stars; one submission).

Conditions:
Low phospholipid associated cholelithiasis (GBD1). Also called: Gallbladder disease 1; Gallstone cholecystitis. Identifiers: Orphanet 69663, MedGen C2609268, MONDO:0010939, OMIM 600803.

Submission:

Genomenon, Inc
Classification: Pathogenic for Low phospholipid associated cholelithiasis. Last evaluated: 2026-04-14. Review status: criteria provided, single submitter. Criteria: Genomenon Sequence Variant Interpretation Standards - Updated. Collection method: curation. Allele origin: germline. Affected: yes.
Comment: ABCB4 p.Phe760IlefsTer34 (c.2273dup) is a frameshift variant that results in the production of a truncated protein which is predicted to undergo nonsense-mediated mRNA decay. This variant has been observed in at least one proband with an ABCB4-related disorder (PMID:12891548). It is absent or not present at a significant frequency in gnomAD. In conclusion, we classify ABCB4 p.Phe760IlefsTer34 (c.2273dup) as a pathogenic variant.

Literature cited by the submitters: PubMed 12891548.